The following is an entry in ClinVar:

ClinVar aggregate classification (germline): Uncertain significance. Review status: criteria provided, multiple submitters, no conflicts (2 of 4 stars). 2 submissions from 2 submitters: Uncertain significance (2). Last evaluated 2025-10-15.

Conditions:
Joubert syndrome 23 (JBTS23). Identifiers: Orphanet 475, MedGen C4084822, MONDO:0014664, OMIM 616490.
Short-rib thoracic dysplasia 14 with polydactyly (SRTD14). Identifiers: Orphanet 397715, MedGen C4225286, MONDO:0014688, OMIM 616546.
Inborn genetic diseases. Identifiers: MedGen C0950123, MeSH D030342.

Allele frequency attached by ClinVar (database versions not stated): ExAC 0.00001; gnomAD 0.00001.

Submissions (2):

Ambry Genetics
Classification: Uncertain significance for Inborn genetic diseases. Last evaluated: 2025-10-15. Review status: criteria provided, single submitter. Criteria: Ambry Variant Classification Scheme 2023. Collection method: clinical testing. Allele origin: germline.

Labcorp Genetics (formerly Invitae), Labcorp
Classification: Uncertain significance for Joubert syndrome 23; Short-rib thoracic dysplasia 14 with polydactyly. Last evaluated: 2022-04-06. Review status: criteria provided, single submitter. Criteria: Invitae Variant Classification Sherloc (09022015). Collection method: clinical testing. Allele origin: germline.
Comment: This sequence change replaces proline, which is neutral and non-polar, with alanine, which is neutral and non-polar, at codon 1253 of the KIAA0586 protein (p.Pro1253Ala). This variant is present in population databases (rs776842945, gnomAD 0.004%). This variant has not been reported in the literature in individuals affected with KIAA0586-related conditions. Algorithms developed to predict the effect of missense changes on protein structure and function output the following: SIFT: "Tolerated"; PolyPhen-2: "Benign"; Align-GVGD: "Class C0". The alanine amino acid residue is found in multiple mammalian species, which suggests that this missense change does not adversely affect protein function. In summary, the available evidence is currently insufficient to determine the role of this variant in disease. Therefore, it has been classified as a Variant of Uncertain Significance.

NM_001329943.3(KIAA0586):c.3598C>G (p.Pro1200Ala)

Gene: KIAA0586 (KIAA0586; plus strand). Cytogenetic location: 14q23.1.
Variant type: single nucleotide variant.
Coding change: c.3598C>G on transcript NM_001329943.3 (MANE Select); coding-DNA position 3598, C replaced by G.
Protein change: p.Pro1200Ala; replaces proline 1200 with alanine.
Molecular consequence: missense variant.
Genome position (GRCh38, 1-based): chr14:58,488,691, C>G. VCF-style: chr14-58488691-C-G. GRCh37 (hg19) VCF-style: chr14-58955409-C-G.
Other names: c.3757C>G, p.Pro1253Ala (NM_001244189.2); c.3553C>G, p.Pro1185Ala (NM_001244190.2); c.3343C>G, p.Pro1115Ala (NM_001244191.2, NM_001329945.2, NM_001364700.1 and 1 more transcripts); c.3466C>G, p.Pro1156Ala (NM_001244192.2); c.3178C>G, p.Pro1060Ala (NM_001244193.2); c.3598C>G, p.Pro1200Ala (NM_001329944.2, NM_001329946.2, NM_001329947.2); c.3370C>G, p.Pro1124Ala (NM_014749.5); c.3370C>G (NM_014749.3); short protein forms P1124A, P1156A, P1060A, P1253A, P1115A, P1185A, P1200A.
Identifiers: ClinVar variation 2153938 (VCV002153938.2), dbSNP rs776842945, ClinGen allele CA7206210.